The following is an entry in ClinVar:

NM_001458.5(FLNC):c.6748A>G (p.Met2250Val)

Genes: FLNC (filamin C; plus strand), FLNC-AS1 (FLNC antisense RNA 1; minus strand). Cytogenetic location: 7q32.1.
Variant type: single nucleotide variant.
Coding change: c.6748A>G on transcript NM_001458.5 (MANE Select); coding-DNA position 6748, A replaced by G.
Protein change: p.Met2250Val; replaces methionine 2250 with valine.
Molecular consequence: missense variant.
Genome position (GRCh38, 1-based): chr7:128,854,433, A>G. VCF-style: chr7-128854433-A-G. GRCh37 (hg19) VCF-style: chr7-128494487-A-G.
Other names: c.6649A>G, p.Met2217Val (NM_001127487.2); short protein forms M2250V, M2217V.
Identifiers: ClinVar variation 1755209 (VCV001755209.3), dbSNP rs923795184, ClinGen allele CA369213548.

ClinVar aggregate classification (germline): Uncertain significance. Review status: criteria provided, multiple submitters, no conflicts (2 of 4 stars). 2 submissions from 2 submitters: Uncertain significance (2). Last evaluated 2026-09-03.

Conditions:
FLNC-related disorder. Also called: FLNC-related disorders; FLNC-related condition.
Cardiovascular phenotype. Identifiers: MedGen CN230736.

gnomAD v4.1: 2 of 1,610,710 alleles (0.00012%); highest among the groups gnomAD compares: Non-Finnish European, 0.00017%; no homozygotes.

Submissions (2):

PreventionGenetics, part of Exact Sciences
Classification: Uncertain significance for FLNC-related condition. Last evaluated: 2026-09-03. Review status: criteria provided, single submitter. Criteria: ACMG Guidelines, 2015. Collection method: clinical testing. Allele origin: germline.
Comment: The FLNC c.6748A>G variant is predicted to result in the amino acid substitution p.Met2250Val. To our knowledge, this variant has not been reported in the literature or in a large population database (gnomAD), indicating this variant is rare. At this time, the clinical significance of this variant is uncertain due to the absence of conclusive functional and genetic evidence.

Ambry Genetics
Classification: Uncertain significance for Cardiovascular phenotype. Last evaluated: 2023-10-10. Review status: criteria provided, single submitter. Criteria: Ambry Variant Classification Scheme 2023. Collection method: clinical testing. Allele origin: germline.
Comment: The p.M2250V variant (also known as c.6748A>G), located in coding exon 41 of the FLNC gene, results from an A to G substitution at nucleotide position 6748. The methionine at codon 2250 is replaced by valine, an amino acid with highly similar properties. This amino acid position is well conserved in available vertebrate species. In addition, the in silico prediction for this alteration is inconclusive. Since supporting evidence is limited at this time, the clinical significance of this alteration remains unclear.